The following is an entry in ClinVar:

NM_020699.4(GATAD2B):c.346C>T (p.Arg116Ter)

Gene: GATAD2B (GATA zinc finger domain containing 2B; minus strand). Cytogenetic location: 1q21.3.
Variant type: single nucleotide variant.
Coding change: c.346C>T on transcript NM_020699.4 (MANE Select); coding-DNA position 346, C replaced by T.
Protein change: p.Arg116Ter; replaces arginine 116 with a stop codon.
Molecular consequence: nonsense.
Genome position (GRCh38, 1-based): chr1:153,819,725, G>A on the plus strand (C>T on the coding strand, the complement: GATAD2B is on the minus strand). VCF-style: chr1-153819725-G-A. GRCh37 (hg19) VCF-style: chr1-153792201-G-A.
Other names: short protein forms R116*.
Identifiers: ClinVar variation 280408 (VCV000280408.59), dbSNP rs886041621, ClinGen allele CA10602752.

ClinVar aggregate classification (germline): Pathogenic. Review status: criteria provided, multiple submitters, no conflicts (2 of 4 stars). 7 submissions from 7 submitters: Pathogenic (6). 1 of the submissions does not count toward it. Last evaluated 2026-08-06.

Conditions:
GATAD2B-related intellectual disability syndrome.
Paediatric disorders.
GATAD2B-related disorder. Also called: GATAD2B-related condition.
Severe intellectual disability-poor language-strabismus-grimacing face-long fingers syndrome (GAND). Also called: GAND SYNDROME. Identifiers: Orphanet 363686, MedGen C3554448, MONDO:0014034, OMIM 615074.

Submissions (7):

NHS Central & South Genomic Laboratory Hub
Classification: Pathogenic for Paediatric disorders. Last evaluated: 2026-08-06. Review status: criteria provided, single submitter. Criteria: ACMG Guidelines, 2015. Collection method: clinical testing. Allele origin: germline. Affected: yes.

Genome-Nilou Lab
Classification: Pathogenic for Severe intellectual disability-poor language-strabismus-grimacing face-long fingers syndrome. Last evaluated: 2023-04-11. Review status: criteria provided, single submitter. Criteria: ACMG Guidelines, 2015. Collection method: clinical testing. Allele origin: germline. Affected: no.

GeneDx
Classification: Pathogenic. Last evaluated: 2023-01-24. Review status: criteria provided, single submitter. Criteria: GeneDx Variant Classification Process June 2021. Collection method: clinical testing. Allele origin: germline. Affected: yes.
Comment: Nonsense variant predicted to result in protein truncation or nonsense mediated decay in a gene for which loss-of-function is a known mechanism of disease; Not observed at significant frequency in large population cohorts (gnomAD); This variant is associated with the following publications: (PMID: 31205050, 28135719, 31949314, 31785789, 30919572)

Illumina Laboratory Services, Illumina
Classification: Pathogenic for GATAD2B-related intellectual disability syndrome. Last evaluated: 2019-03-07. Review status: criteria provided, single submitter. Criteria: ICSLVariantClassificationCriteria RUGD 01 April 2020. Collection method: clinical testing. Allele origin: unknown.
Comment: The GATAD2B c.346C>T (p.Arg116Ter) variant is a stop-gained variant that is predicted to result in a premature termination of the protein. This variant has been reported in a de novo heterozygous state in one individual from the Deciphering Developmental Disorders (Deciphering Developmental Disorders Study, 2017) study of 4293 individuals with severe undiagnosed developmental disorder (DDD 2017). The p.Arg116Ter variant is not found in the Genome Aggregation Database in a region of good sequencing coverage so the variant is presumed to be rare. Based on the predicted truncating nature of the variant, its identification in a de novo state, and its rarity, the p.Arg116Ter variant is classified as pathogenic for GATAD2B-related intellectual disability syndrome.

CeGaT Center for Human Genetics Tuebingen
Classification: Pathogenic. Last evaluated: 2019-01-01. Review status: criteria provided, single submitter. Criteria: CeGaT Center For Human Genetics Tuebingen Variant Classification Criteria Version 2. Collection method: clinical testing. Allele origin: germline. Affected: yes. Observed: 3 variant alleles.

Kasturba Medical College, Manipal, Kasturba Medical College, Manipal, Manipal Academy of Higher Education, Manipal, India
Classification: Pathogenic for Severe intellectual disability-poor language-strabismus-grimacing face-long fingers syndrome. Review status: criteria provided, single submitter. Criteria: ACMG Guidelines, 2015. Collection method: research. Allele origin: inherited. Affected: yes.

OMIM
Classification: Pathogenic for GAND SYNDROME. Last evaluated: 2020-10-22. Review status: no assertion criteria provided. Collection method: literature only. Allele origin: germline. Not counted in ClinVar's aggregate classification.

Literature cited by the submitters: PubMed 28135719 (cited by Illumina Laboratory Services, Illumina); PubMed 31205050 (cited by OMIM).